The following is an entry in ClinVar:

NM_001330260.2(SCN8A):c.5615G>A (p.Arg1872Gln)

Gene: SCN8A (sodium voltage-gated channel alpha subunit 8; plus strand). Cytogenetic location: 12q13.13.
Variant type: single nucleotide variant.
Coding change: c.5615G>A on transcript NM_001330260.2 (MANE Select); coding-DNA position 5615, G replaced by A.
Protein change: p.Arg1872Gln; replaces arginine 1872 with glutamine.
Molecular consequence: missense variant.
Genome position (GRCh38, 1-based): chr12:51,807,101, G>A. VCF-style: chr12-51807101-G-A. GRCh37 (hg19) VCF-style: chr12-52200885-G-A.
Other names: NM_001330260.2(SCN8A):c.5615G>A; c.5492G>A, p.Arg1831Gln (NM_001177984.3, NM_001369788.1); c.5615G>A, p.Arg1872Gln (NM_014191.4); short protein forms R1872Q, R1831Q.
Identifiers: ClinVar variation 253297 (VCV000253297.19), dbSNP rs796053229, ClinGen allele CA10586302.
Genomic context (GRCh38, chr12:51,807,101, plus strand): 5'-CCAAGCGGGTCCTGGGAGATAGCGGGGAGTTGGACATCCTGCGGCAGCAGATGGAAGAGC[G>A]GTTCGTGGCATCCAATCCTTCCAAAGTGTCTTACGAGCCAATCACAACCACACTGCGTCG-3'
Protein context (NP_001317189.1, residues 1862-1882): LDILRQQMEE[Arg1872Gln]FVASNPSKVS

ClinVar aggregate classification (germline): Pathogenic. Review status: reviewed by expert panel (3 of 4 stars). 9 submissions from 9 submitters: Pathogenic (1). 8 of the submissions do not count toward it. Last evaluated 2024-05-09.

Conditions:
Myoclonus, familial, 2. Identifiers: MedGen C5193056, MONDO:0100092, OMIM 618364.
Seizures, benign familial infantile, 5 (BFIS5). Also called: CONVULSIONS, BENIGN FAMILIAL INFANTILE, 5. Identifiers: Orphanet 306, MedGen C4310728, MONDO:0014903, OMIM 617080.
Cognitive impairment with or without cerebellar ataxia (CIAT). Identifiers: MedGen C3280415, MONDO:0013680, OMIM 614306.
Developmental and epileptic encephalopathy, 13 (DEE13). Also called: Early infantile epileptic encephalopathy 13; SCN8A-Related Epilepsy; Developmental and Epileptic Encephalopathy (SCN8A-DEE). Identifiers: Orphanet 442835, MedGen C3281191, MONDO:0013801, OMIM 614558.
Autosomal dominant SCN8A-related disorders.
Early-infantile DEE. Also called: Ohtahara syndrome; Early infantile epileptic encephalopathy with suppression bursts; Early infantile epileptic encephalopathy. Identifiers: Orphanet 1934, MedGen C0393706, MONDO:0800491.
Complex neurodevelopmental disorder. Identifiers: Orphanet 528084, MedGen C5568766, MONDO:0100038.

Allele frequency attached by ClinVar (database versions not stated): gnomAD exomes below 0.00001.
gnomAD v4.1: 1 of 1,613,978 alleles (0.000062%); highest among the groups gnomAD compares: Admixed American, 0.0017%; no homozygotes.

Submissions (10):

ClinGen Epilepsy Sodium Channel Variant Curation Expert Panel, Clingen
Classification: Pathogenic for Complex neurodevelopmental disorder. Last evaluated: 2024-05-09. Review status: reviewed by expert panel. Criteria: ClinGen EpilepsySCN ACMG Specifications SCN8A V1.0.0. Collection method: curation. Allele origin: germline. Inheritance: Autosomal dominant inheritance.
Comment: The c.5615G>A variant in SCN8A is a missense variant predicted to cause a subtitution of arginine by glutamine at amino acid 1872 (p.Arg1872Gln). This variant has been reported as de novo in at least 3 individuals with unconfirmed parental relationships (PMIDs: 2664715, 28333917, 28387369) (PM6) and at least an additional 8 individuals without informative segregation data available (PMIDs: 25568300, 29655203, 29930392, 32509551, 34395220, 30968951) (PS4). Multiple other amino acid substitutions at the same amino acid position have been previously reported and meet pathogenic per these criteria (p.Arg1872Gly, p.Arg1872Trp, p.Arg1872Leu) (PM5). Heterologous expression with voltage clamping assay has shown significant hyperpolarizing shift in voltage dependence of activation and significant depolarizing shift of voltage dependence of fast inactivation (PS3). The variant is rare (1 allele) in the population database, gnomAD v2.1.1 (PM2_Supporting). In summary, this variant meets the criteria to be classified as pathogenic for autosomal dominant complex neurodevelopmental disorder based on the ACMG/AMP criteria applied, as specified by the ClinGen Epilepsy Sodium Channel VCEP: PS4, PM6, PM5, PS3, PM2_Supporting (version 1.0; approved 5/23/23).

Labcorp Genetics (formerly Invitae), Labcorp
Classification: Pathogenic for Early-infantile DEE. Last evaluated: 2025-10-28. Review status: criteria provided, single submitter. Criteria: Invitae Variant Classification Sherloc (09022015). Collection method: clinical testing. Allele origin: germline. Not counted in ClinVar's aggregate classification.
Comment: This sequence change replaces arginine, which is basic and polar, with glutamine, which is neutral and polar, at codon 1872 of the SCN8A protein (p.Arg1872Gln). This variant is present in population databases (no rsID available, gnomAD 0.003%). This missense change has been observed in individual(s) with epileptic encephalopathy (PMID: 25568300, 26647175, 26900580, 28387369). In at least one individual the variant was observed to be de novo. ClinVar contains an entry for this variant (Variation ID: 253297). Invitae Evidence Modeling of protein sequence and biophysical properties (such as structural, functional, and spatial information, amino acid conservation, physicochemical variation, residue mobility, and thermodynamic stability) has been performed for this missense variant. However, the output from this modeling did not meet the statistical confidence thresholds required to predict the impact of this variant on SCN8A protein function. Experimental studies have shown that this missense change affects SCN8A function (PMID: 26900580). This variant disrupts the p.Arg1872 amino acid residue in SCN8A. Other variant(s) that disrupt this residue have been determined to be pathogenic (PMID: 24888894, 25951352, 26029160, 26900580, 27779742). This suggests that this residue is clinically significant, and that variants that disrupt this residue are likely to be disease-causing. For these reasons, this variant has been classified as Pathogenic.

Variantyx, Inc.
Classification: Pathogenic for Autosomal dominant SCN8A-related disorders. Last evaluated: 2025-09-04. Review status: criteria provided, single submitter. Criteria: Variantyx Assertion Criteria 2022. Collection method: clinical testing. Allele origin: de novo. Inheritance: Autosomal dominant inheritance. Affected: yes. Not counted in ClinVar's aggregate classification.
Comment: This is a nonsynonymous variant in the SCN8A gene (OMIM: 600702). Pathogenic variants in this gene have been associated with autosomal dominant SCN8A-related disorders. This variant has been reported in several unrelated affected individuals (PMID: 25568300, 29655203, 29930392, 34395220, 30968951, 32509551) (PS4). Functional studies have shown that this variant alters SCN8A protein function (PMID: 26900580, 29574705) (PS3) and several alternate amino acid changes at this position (p.Arg1872Gly, p.Arg1872Trp, p.Arg1872Leu) have been previously reported in similarly affected individuals, which suggests that this residue is biologically important (PMID: 25568300, 29655203, 26900580) (PM5). Multiple computational algorithms predict a deleterious effect for this variant (REVEL score: 0.929) (PP3). This variant has a 0.0023% maximum allele frequency in non-founder control populations (PM2). Other reputable laboratories have reported this variant as pathogenic or likely pathogenic, and this classification has been validated by an expert panel in ClinVar. Based on the evidence, this variant is classified as pathogenic for autosomal dominant SCN8A-related disorders.

Dasa
Classification: Pathogenic. Last evaluated: 2025-01-29. Review status: criteria provided, single submitter. Criteria: DASA Assertion Criteria. Collection method: clinical testing. Allele origin: germline. Not counted in ClinVar's aggregate classification.
Comment: NM_001330260.2(SCN8A):c.5615G>A (p.Arg1872Gln) is a missense variant that results in the substitution of arginine with glutamine. The affected residue or protein region has prior evidence supporting clinical relevance. De novo occurrence has been reported in an individual with related phenotype. Functional evidence supports a deleterious effect on the gene or gene product (PMID: 26900580; PMID: 26647175; PMID: 28333917; PMID: 28387369; PMID: 25568300). This variant has been recurrently observed in individuals with related phenotype (PMID: 26900580; PMID: 26647175; PMID: 28333917; PMID: 28387369; PMID: 25568300). Multiple computational predictions support a deleterious effect on the gene or gene product. The variant is present at low frequency in population datasets. Based on the available data, this variant is classified as pathogenic.

Fulgent Genetics
Classification: Pathogenic for Cognitive impairment with or without cerebellar ataxia; Developmental and epileptic encephalopathy, 13; Seizures, benign familial infantile, 5; Myoclonus, familial, 2. Last evaluated: 2024-02-20. Review status: criteria provided, single submitter. Criteria: ACMG Guidelines, 2015. Collection method: clinical testing. Allele origin: germline. Not counted in ClinVar's aggregate classification.

CENTOGENE GmbH and LLC - Guiding Precision Medicine
Classification: Pathogenic for Developmental and epileptic encephalopathy, 13. Last evaluated: 2021-05-28. Review status: criteria provided, single submitter. Criteria: ACMG Guidelines, 2015. Collection method: clinical testing. Allele origin: germline. Affected: yes. Not counted in ClinVar's aggregate classification.

GeneDx
Classification: Pathogenic. Last evaluated: 2020-05-07. Review status: criteria provided, single submitter. Criteria: GeneDx Variant Classification Process June 2021. Collection method: clinical testing. Allele origin: germline. Affected: yes. Not counted in ClinVar's aggregate classification.
Comment: Published functional studies demonstrate hyperactivity of the sodium channel by impairing channel inactivation (Wagnon et al., 2016); Missense variants in this gene are often considered pathogenic (Stenson et al., 2014); This substitution is predicted to be within the C-terminal cytoplasmic domain; This variant is associated with the following publications: (PMID: 26029160, 24194747, 25568300, 26647175, 26900580, 28387369, 29574705, 29100083, 28333917, 30968951, 30185235, 31077350, 30552426, 32090326, 32509551)

Baylor Genetics
Classification: Pathogenic for Developmental and epileptic encephalopathy, 13. Last evaluated: 2019-10-24. Review status: criteria provided, single submitter. Criteria: ACMG Guidelines, 2015. Collection method: clinical testing. Allele origin: unknown. Affected: yes. Not counted in ClinVar's aggregate classification.
Comment: This variant was determined to be pathogenic according to ACMG Guidelines, 2015 [PMID:25741868].

Channelopathy-Associated Epilepsy Research Center
No classification provided (evidence only). Condition: Complex neurodevelopmental disorder. Review status: no classification provided. Collection method: literature only. Allele origin: not applicable. Functional consequence: Overall gain-of-function effect with respect to biophysical channel activity, Moderate increase in peak current, Mild hyperpolarizing shift of voltage dependence of activation, Decrease in slope of activation, Mild depolarizing shift of voltage dependence of fast inactivation, Normal slope of fast inactivation, Normal rate of recovery from fast inactivation, Normal persistent current, Normal resurgent current. Not counted in ClinVar's aggregate classification.
ClinVar note: "not provided" was previously submitted as the classification for the variant. However, the classification appeared to be based only on an observation of functional data so it was converted to no classification on 2025-07-30.

GeneReviews
No classification provided. Condition: Developmental and epileptic encephalopathy, 13. Review status: no classification provided. Collection method: literature only. Allele origin: germline. Affected: yes. Not counted in ClinVar's aggregate classification.

Literature cited by the submitters: PubMed 26900580 (cited by 4 submitters); PubMed 25568300 (cited by 4 submitters); PubMed 26647175 (cited by Labcorp Genetics (formerly Invitae), Labcorp and Dasa); PubMed 28387369 (cited by Labcorp Genetics (formerly Invitae), Labcorp and Dasa); PubMed 24888894 (cited by Labcorp Genetics (formerly Invitae), Labcorp); PubMed 25951352 (cited by Labcorp Genetics (formerly Invitae), Labcorp); PubMed 26029160 (cited by Labcorp Genetics (formerly Invitae), Labcorp); PubMed 27779742 (cited by Labcorp Genetics (formerly Invitae), Labcorp); PubMed 29655203 (cited by Variantyx, Inc. and Dasa); PubMed 29930392 (cited by Variantyx, Inc. and Dasa); PubMed 34395220 (cited by Variantyx, Inc. and Dasa); PubMed 30968951 (cited by Variantyx, Inc. and Dasa); PubMed 32509551 (cited by Variantyx, Inc. and Dasa); PubMed 29574705 (cited by Variantyx, Inc.); PubMed 28333917 (cited by Dasa); PubMed 31715021 (cited by Channelopathy-Associated Epilepsy Research Center); NCBI Bookshelf NBK379665 (cited by GeneReviews).